The following is an entry in ClinVar:

NM_001205293.3(CACNA1E):c.1613C>G (p.Ser538Cys)

Gene: CACNA1E (calcium voltage-gated channel subunit alpha1 E; plus strand). Cytogenetic location: 1q25.3.
Variant type: single nucleotide variant.
Coding change: c.1613C>G on transcript NM_001205293.3 (MANE Select); coding-DNA position 1613, C replaced by G.
Protein change: p.Ser538Cys; replaces serine 538 with cysteine.
Molecular consequence: missense variant.
Genome position (GRCh38, 1-based): chr1:181,718,142, C>G. VCF-style: chr1-181718142-C-G. GRCh37 (hg19) VCF-style: chr1-181687278-C-G.
Other names: c.1613C>G, p.Ser538Cys (NM_000721.4, NM_001205294.2); short protein forms S538C.
Identifiers: ClinVar variation 2864807 (VCV002864807.3), dbSNP rs1654077154, ClinGen allele CA343625945.
Genomic context (GRCh38, chr1:181,718,142, plus strand): 5'-TCTTCCTCTTGGAGATGTCCCTGAAGATGTATGGCATGGGGCCTCGCCTTTATTTTCACT[C>G]TTCATTCAACTGCTTTGATTTTGGGGTAAGTCCTCGGAAGCCTGCCTCTGCTCCTGCTTC-3'
Protein context (NP_001192222.1, residues 528-548): YGMGPRLYFH[Ser538Cys]SFNCFDFGVT

ClinVar aggregate classification (germline): Uncertain significance (1 of 4 stars; one submission).

Allele frequency attached by ClinVar (database versions not stated): TOPMed below 0.00001.
gnomAD v4.1: 1 of 1,602,592 alleles (0.000062%); no homozygotes.

Submission:

Labcorp Genetics (formerly Invitae), Labcorp
Classification: Uncertain significance. Last evaluated: 2023-05-16. Review status: criteria provided, single submitter. Criteria: Invitae Variant Classification Sherloc (09022015). Collection method: clinical testing. Allele origin: germline.
Comment: This sequence change replaces serine, which is neutral and polar, with cysteine, which is neutral and slightly polar, at codon 538 of the CACNA1E protein (p.Ser538Cys). In summary, the available evidence is currently insufficient to determine the role of this variant in disease. Therefore, it has been classified as a Variant of Uncertain Significance. Advanced modeling of protein sequence and biophysical properties (such as structural, functional, and spatial information, amino acid conservation, physicochemical variation, residue mobility, and thermodynamic stability) has been performed at Invitae for this missense variant, however the output from this modeling did not meet the statistical confidence thresholds required to predict the impact of this variant on CACNA1E protein function. This variant has not been reported in the literature in individuals affected with CACNA1E-related conditions. This variant is not present in population databases (gnomAD no frequency).